The following is an entry in ClinVar:

ClinVar aggregate classification (germline): Uncertain significance (1 of 4 stars; one submission).

Conditions:
Idiopathic generalized epilepsy. Also called: Generalised epilepsy; EIG. Identifiers: MedGen C0270850, MONDO:0005579, OMIM 600669.

Submission:

Labcorp Genetics (formerly Invitae), Labcorp
Classification: Uncertain significance for Idiopathic generalized epilepsy. Last evaluated: 2019-03-21. Review status: criteria provided, single submitter. Criteria: Invitae Variant Classification Sherloc (09022015). Collection method: clinical testing. Allele origin: germline.
Comment: In summary, the available evidence is currently insufficient to determine the role of this variant in disease. Therefore, it has been classified as a Variant of Uncertain Significance. Algorithms developed to predict the effect of missense changes on protein structure and function are either unavailable or do not agree on the potential impact of this missense change (SIFT: "Tolerated"; PolyPhen-2: "Possibly Damaging"; Align-GVGD: "Class C0"). This variant has not been reported in the literature in individuals with GABRD-related conditions. This variant is not present in population databases (ExAC no frequency). This sequence change replaces threonine with serine at codon 217 of the GABRD protein (p.Thr217Ser). The threonine residue is highly conserved and there is a small physicochemical difference between threonine and serine.

NM_000815.5(GABRD):c.649A>T (p.Thr217Ser)

Gene: GABRD (gamma-aminobutyric acid type A receptor subunit delta; plus strand). Cytogenetic location: 1p36.33.
Variant type: single nucleotide variant.
Coding change: c.649A>T on transcript NM_000815.5 (MANE Select); coding-DNA position 649, A replaced by T.
Protein change: p.Thr217Ser; replaces threonine 217 with serine.
Molecular consequence: missense variant.
Genome position (GRCh38, 1-based): chr1:2,028,250, A>T. VCF-style: chr1-2028250-A-T. GRCh37 (hg19) VCF-style: chr1-1959689-A-T.
Other names: short protein forms T217S.
Identifiers: ClinVar variation 837727 (VCV000837727.9), dbSNP rs1658982650, ClinGen allele CA337958613.